The following is an entry in ClinVar:

ClinVar aggregate classification (germline): Likely benign. Review status: criteria provided, multiple submitters, no conflicts (2 of 4 stars). 3 submissions from 3 submitters: Likely benign (3). Last evaluated 2026-01-12.

Conditions:
Familial isolated arrhythmogenic right ventricular dysplasia. Identifiers: Orphanet 217656, MedGen C4274968, MONDO:0016342.
Cardiomyopathy (CMYO). Also called: Cardiomyopathies. Identifiers: Orphanet 167848, MedGen C0878544, MONDO:0004994, HP:0001638. Inheritance: Various modes of inheritance.
Arrhythmogenic right ventricular dysplasia 11. Also called: Arrhythmogenic right ventricular dysplasia 11 with mild palmoplantar keratoderma and woolly hair; Arrhythmogenic Right Ventricular Dysplasia/Cardiomyopathy11; ARRHYTHMOGENIC RIGHT VENTRICULAR DYSPLASIA, FAMILIAL, 11. Identifiers: MedGen C1864850, MONDO:0012506, OMIM 610476.

Allele frequency attached by ClinVar (database versions not stated): gnomAD 0.00001; TOPMed 0.00002; gnomAD exomes 0.00001.
gnomAD v4.1: 13 of 1,591,950 alleles (0.00082%); highest among the groups gnomAD compares: African/African-American, 0.0067%; no homozygotes.

Submissions (3):

Labcorp Genetics (formerly Invitae), Labcorp
Classification: Likely benign for Arrhythmogenic right ventricular dysplasia 11. Last evaluated: 2026-01-12. Review status: criteria provided, single submitter. Criteria: Invitae Variant Classification Sherloc (09022015). Collection method: clinical testing. Allele origin: germline.

All of Us Research Program, National Institutes of Health
Classification: Likely benign for Familial isolated arrhythmogenic right ventricular dysplasia. Last evaluated: 2023-12-13. Review status: criteria provided, single submitter. Criteria: ACMG Guidelines, 2015. Collection method: clinical testing. Allele origin: germline. Inheritance: Autosomal dominant inheritance. Observed: 1 variant allele, 1 heterozygote.
Comment: This study involves interpretation of variants in research participants for the purpose of population health screening. Participant phenotype was not available at the time of variant classification. Additional details can be found in publication PMID: 35346344, PMCID: PMC8962531

Color Diagnostics, LLC DBA Color Health
Classification: Likely benign for Cardiomyopathy. Last evaluated: 2023-11-17. Review status: criteria provided, single submitter. Criteria: ACMG Guidelines, 2015. Collection method: clinical testing. Allele origin: germline.

NM_024422.6(DSC2):c.1889-14A>G

Gene: DSC2 (desmocollin 2; minus strand). Cytogenetic location: 18q12.1.
Variant type: single nucleotide variant.
Coding change: c.1889-14A>G on transcript NM_024422.6 (MANE Select); 14 bases into the intron before coding-DNA position 1889, A replaced by G.
Molecular consequence: intron variant.
Genome position (GRCh38, 1-based): chr18:31,071,855, T>C on the plus strand (A>G on the coding strand, the complement: DSC2 is on the minus strand). VCF-style: chr18-31071855-T-C. GRCh37 (hg19) VCF-style: chr18-28651821-T-C.
Other names: c.1889-14A>G (NM_004949.5).
Identifiers: ClinVar variation 2179992 (VCV002179992.5), dbSNP rs1409842237, ClinGen allele CA629452990.